The following is an entry in ClinVar:

NM_004655.4(AXIN2):c.1907+6C>G

Gene: AXIN2 (axin 2; minus strand). Cytogenetic location: 17q24.1.
Variant type: single nucleotide variant.
Coding change: c.1907+6C>G on transcript NM_004655.4 (MANE Select); 6 bases into the intron after coding-DNA position 1907, C replaced by G.
Molecular consequence: intron variant.
Genome position (GRCh38, 1-based): chr17:65,536,863, G>C on the plus strand (C>G on the coding strand, the complement: AXIN2 is on the minus strand). VCF-style: chr17-65536863-G-C. GRCh37 (hg19) VCF-style: chr17-63532981-G-C.
Other names: c.1713-310C>G (NM_001363813.1).
Identifiers: ClinVar variation 957085 (VCV000957085.9), dbSNP rs1555577337, ClinGen allele CA1139665827.

ClinVar aggregate classification (germline): Uncertain significance (1 of 4 stars; one submission).

Conditions:
Oligodontia-cancer predisposition syndrome. Also called: TOOTH AGENESIS-COLORECTAL CANCER SYNDROME. Identifiers: Orphanet 300576, MedGen C1837750, MONDO:0012075, OMIM 608615. Disease mechanism: loss of function.

Submission:

Labcorp Genetics (formerly Invitae), Labcorp
Classification: Uncertain significance for Oligodontia-cancer predisposition syndrome. Last evaluated: 2024-03-06. Review status: criteria provided, single submitter. Criteria: Invitae Variant Classification Sherloc (09022015). Collection method: clinical testing. Allele origin: germline.
Comment: This sequence change falls in intron 7 of the AXIN2 gene. It does not directly change the encoded amino acid sequence of the AXIN2 protein. It affects a nucleotide within the consensus splice site. This variant is not present in population databases (gnomAD no frequency). This variant has not been reported in the literature in individuals affected with AXIN2-related conditions. ClinVar contains an entry for this variant (Variation ID: 957085). Variants that disrupt the consensus splice site are a relatively common cause of aberrant splicing (PMID: 17576681, 9536098). Studies have shown this variant is associated with skipping of exon 7, but one or more of the resulting mRNA isoform(s) may be naturally occurring (Invitae). In summary, the available evidence is currently insufficient to determine the role of this variant in disease. Therefore, it has been classified as a Variant of Uncertain Significance.

Literature cited by the submitters: PubMed 17576681; PubMed 9536098.